The following is an entry in ClinVar:

ClinVar aggregate classification (germline): Likely pathogenic (1 of 4 stars; one submission).

Conditions:
Pheochromocytoma/paraganglioma syndrome 5. Also called: Paragangliomas 5; SDHA-Related Hereditary Paraganglioma-Pheochromocytoma Syndrome. Identifiers: Orphanet 29072, MedGen C3279992, MONDO:0013602, OMIM 614165.
Mitochondrial complex II deficiency, nuclear type 1. Also called: SUCCINATE CoQ REDUCTASE DEFICIENCY. Identifiers: Orphanet 3208, MedGen C5700310, MONDO:0100294, OMIM 252011.

Allele frequency attached by ClinVar (database versions not stated): gnomAD below 0.00001 and 0.00001; TOPMed below 0.00001.
gnomAD v4.1: 1 of 1,614,066 alleles (0.000062%); highest among the groups gnomAD compares: South Asian, 0.0011%; no homozygotes.

Submission:

Labcorp Genetics (formerly Invitae), Labcorp
Classification: Likely pathogenic for Pheochromocytoma/paraganglioma syndrome 5; Mitochondrial complex II deficiency, nuclear type 1. Last evaluated: 2019-04-16. Review status: criteria provided, single submitter. Criteria: Invitae Variant Classification Sherloc (09022015). Collection method: clinical testing. Allele origin: germline.
Comment: This variant is not present in population databases (ExAC no frequency). This variant has not been reported in the literature in individuals with SDHA-related conditions. Donor and acceptor splice site variants typically lead to a loss of protein function (PMID: 16199547), and loss-of-function variants in SDHA are known to be pathogenic (PMID: 22974104, 24781757). In summary, the currently available evidence indicates that the variant is pathogenic, but additional data are needed to prove that conclusively. Therefore, this variant has been classified as Likely Pathogenic. This sequence change affects a donor splice site in intron 5 of the SDHA gene. It is expected to disrupt RNA splicing and likely results in an absent or disrupted protein product.

Literature cited by the submitters: PubMed 16199547; PubMed 22974104; PubMed 24781757.

NM_004168.4(SDHA):c.621+1G>A

Gene: SDHA (succinate dehydrogenase complex flavoprotein subunit A; plus strand). Cytogenetic location: 5p15.33.
Variant type: single nucleotide variant.
Coding change: c.621+1G>A on transcript NM_004168.4 (MANE Select); the canonical splice donor site of the intron after coding-DNA position 621, G replaced by A.
Molecular consequence: splice donor variant.
Genome position (GRCh38, 1-based): chr5:226,048, G>A. VCF-style: chr5-226048-G-A. GRCh37 (hg19) VCF-style: chr5-226163-G-A.
Other names: c.621+1G>A (NM_001330758.2); c.477+1G>A (NM_001294332.2).
Identifiers: ClinVar variation 847345 (VCV000847345.8), dbSNP rs1735002961, ClinGen allele CA359010694.